The following is an entry in ClinVar:

ClinVar aggregate classification (germline): Pathogenic (1 of 4 stars; one submission).

Submission:

Labcorp Genetics (formerly Invitae), Labcorp
Classification: Pathogenic. Last evaluated: 2023-08-30. Review status: criteria provided, single submitter. Criteria: Invitae Variant Classification Sherloc (09022015). Collection method: clinical testing. Allele origin: germline.
Comment: This sequence change creates a premature translational stop signal (p.Ser2659*) in the MYO15A gene. It is expected to result in an absent or disrupted protein product. Loss-of-function variants in MYO15A are known to be pathogenic (PMID: 17546645). This variant is not present in population databases (gnomAD no frequency). This variant has not been reported in the literature in individuals affected with MYO15A-related conditions. For these reasons, this variant has been classified as Pathogenic.

Literature cited by the submitters: PubMed 17546645.

NM_016239.4(MYO15A):c.7976C>A (p.Ser2659Ter)

Gene: MYO15A (myosin XVA; plus strand). Cytogenetic location: 17p11.2.
Variant type: single nucleotide variant.
Coding change: c.7976C>A on transcript NM_016239.4 (MANE Select); coding-DNA position 7976, C replaced by A.
Protein change: p.Ser2659Ter; replaces serine 2659 with a stop codon.
Molecular consequence: nonsense.
Genome position (GRCh38, 1-based): chr17:18,153,784, C>A. VCF-style: chr17-18153784-C-A. GRCh37 (hg19) VCF-style: chr17-18057098-C-A.
Other names: short protein forms S2659*.
Identifiers: ClinVar variation 2756550 (VCV002756550.3), dbSNP rs2545292934, ClinGen allele CA398622581.
Genomic context (GRCh38, chr17:18,153,784, plus strand): 5'-ATAAAAAAACGAGGTGCCTTCTCCTGACTCCCTGATCCCCGCGCTCTCCAGCTCTGCCCT[C>A]GCGATCGCTGGAGCCCCCTGAGGAACTCACGCAGACGCGGCTGCACCGCCTCATCAATCC-3'